The following is an entry in ClinVar:

ClinVar aggregate classification (germline): Likely pathogenic (1 of 4 stars; one submission).

Conditions:
Gastrointestinal stromal tumor. Also called: Gastrointestinal stromal tumor, somatic; Gastrointestinal stroma tumor. Identifiers: Orphanet 44890, MedGen C0238198, MeSH D046152, MONDO:0011719, OMIM 606764, HP:0100723.

Submission:

Labcorp Genetics (formerly Invitae), Labcorp
Classification: Likely pathogenic for Gastrointestinal stromal tumor. Last evaluated: 2024-12-08. Review status: criteria provided, single submitter. Criteria: Invitae Variant Classification Sherloc (09022015). Collection method: clinical testing. Allele origin: germline.
Comment: This sequence change affects a donor splice site in intron 9 of the KIT gene. It is expected to disrupt RNA splicing. Variants that disrupt the donor or acceptor splice site typically lead to a loss of protein function (PMID: 16199547), and loss-of-function variants in KIT are known to be pathogenic (PMID: 15194144). This variant is not present in population databases (gnomAD no frequency). This variant has not been reported in the literature in individuals affected with KIT-related conditions. ClinVar contains an entry for this variant (Variation ID: 1509906). Algorithms developed to predict the effect of sequence changes on RNA splicing suggest that this variant may disrupt the consensus splice site. In summary, the currently available evidence indicates that the variant is pathogenic, but additional data are needed to prove that conclusively. Therefore, this variant has been classified as Likely Pathogenic.

Literature cited by the submitters: PubMed 16199547; PubMed 15194144.

NM_000222.3(KIT):c.1540+1G>A

Gene: KIT (KIT proto-oncogene, receptor tyrosine kinase; plus strand). Cytogenetic location: 4q12.
Variant type: single nucleotide variant.
Coding change: c.1540+1G>A on transcript NM_000222.3 (MANE Select); the canonical splice donor site of the intron after coding-DNA position 1540, G replaced by A.
Molecular consequence: splice donor variant. On other transcripts: intron variant (4).
Genome position (GRCh38, 1-based): chr4:54,726,051, G>A. VCF-style: chr4-54726051-G-A. GRCh37 (hg19) VCF-style: chr4-55592217-G-A.
Other names: c.1543+1G>A (NM_001385284.1, NM_001385290.1); c.1531+13G>A (NM_001385288.1, NM_001385292.1); c.1540+1G>A (NM_001385285.1); c.1528+13G>A (NM_001093772.2, NM_001385286.1).
Identifiers: ClinVar variation 1509906 (VCV001509906.6), dbSNP rs2109769912, ClinGen allele CA356906770.